The following is an entry in ClinVar:

NM_001009931.3(HRNR):c.2097C>T (p.Ser699=)

Genes: CCDST (cervical cancer associated DHX9 suppressive transcript; plus strand), HRNR (hornerin; minus strand). Cytogenetic location: 1q21.3.
Variant type: single nucleotide variant.
Coding change: c.2097C>T on transcript NM_001009931.3 (MANE Select); coding-DNA position 2097, C replaced by T.
Protein change: p.Ser699=; no amino-acid change (serine 699 retained).
Molecular consequence: synonymous variant.
Genome position (GRCh38, 1-based): chr1:152,219,532, G>A on the plus strand (C>T on the coding strand, the complement: HRNR is on the minus strand). VCF-style: chr1-152219532-G-A. GRCh37 (hg19) VCF-style: chr1-152192008-G-A.
Identifiers: ClinVar variation 4084317 (VCV004084317.8).

ClinVar aggregate classification (germline): Likely benign (1 of 4 stars; one submission).

gnomAD v4.1: 128 of 1,612,188 alleles (0.0079%); highest among the groups gnomAD compares: Admixed American, 0.033%; 1 homozygote.

Submission:

CeGaT Center for Human Genetics Tuebingen
Classification: Likely benign. Last evaluated: 2025-08-01. Review status: criteria provided, single submitter. Criteria: CeGaT Center For Human Genetics Tuebingen Variant Classification Criteria Version 2. Collection method: clinical testing. Allele origin: germline. Affected: yes. Observed: 1 variant allele.
Comment: HRNR: BP4, BP7